The following is an entry in ClinVar:

NM_000380.4(XPA):c.472A>C (p.Arg158=)

Gene: XPA (XPA, DNA damage recognition and repair factor; minus strand). Cytogenetic location: 9q22.33.
Variant type: single nucleotide variant.
Coding change: c.472A>C on transcript NM_000380.4 (MANE Select); coding-DNA position 472, A replaced by C.
Protein change: p.Arg158=; no amino-acid change (arginine 158 retained).
Molecular consequence: synonymous variant. On other transcripts: non-coding transcript variant (4).
Genome position (GRCh38, 1-based): chr9:97,687,179, T>G on the plus strand (A>C on the coding strand, the complement: XPA is on the minus strand). VCF-style: chr9-97687179-T-G. GRCh37 (hg19) VCF-style: chr9-100449461-T-G.
Other names: c.346A>C, p.Arg116= (NM_001354975.2).
Identifiers: ClinVar variation 1692415 (VCV001692415.1), dbSNP rs2131396614, ClinGen allele CA466175386.

ClinVar aggregate classification (germline): Uncertain significance (1 of 4 stars; one submission).

Conditions:
Xeroderma pigmentosum (XP). Identifiers: Orphanet 910, MedGen C0043346, MONDO:0019600.

Submission:

Sema4
Classification: Uncertain significance for Xeroderma pigmentosum. Last evaluated: 2022-01-06. Review status: criteria provided, single submitter. Criteria: Sema4 Curation Guidelines. Collection method: curation. Allele origin: germline.
Comment: The XPA c.472A>C (p.R158=) variant has not been reported in the literature to our knowledge. It was not observed in the large and broad cohorts of the Genome Aggregation Database (PMID: 32461654), and has not been reported in ClinVar. The nucleotide is moderately conserved, and in silico predictions of the variant's effect on RNA splicing suggest that this variant is not likely to affect splicing, though these predictions have not been confirmed by transcriptional studies. The evidence is insufficient to meet ACMG/AMP criteria for classifying the variant as benign or pathogenic. Thus, the clinical significance of this variant is currently uncertain.